The following is an entry in ClinVar:

ClinVar aggregate classification (germline): Uncertain significance (1 of 4 stars; one submission).

Submission:

Labcorp Genetics (formerly Invitae), Labcorp
Classification: Uncertain significance. Last evaluated: 2019-11-16. Review status: criteria provided, single submitter. Criteria: Invitae Variant Classification Sherloc (09022015). Collection method: clinical testing. Allele origin: germline.
Comment: In summary, the available evidence is currently insufficient to determine the role of this variant in disease. Therefore, it has been classified as a Variant of Uncertain Significance. Algorithms developed to predict the effect of sequence changes on RNA splicing suggest that this variant may create or strengthen a splice site, but this prediction has not been confirmed by published transcriptional studies. Algorithms developed to predict the effect of missense changes on protein structure and function are either unavailable or do not agree on the potential impact of this missense change (SIFT: "Deleterious"; PolyPhen-2: "Probably Damaging"; Align-GVGD: "Class C0"). This variant has not been reported in the literature in individuals with CTNNA1-related disease. This variant is not present in population databases (ExAC no frequency). This sequence change replaces glycine with valine at codon 547 of the CTNNA1 protein (p.Gly547Val). The glycine residue is highly conserved and there is a moderate physicochemical difference between glycine and valine.

NM_001903.5(CTNNA1):c.1640_1641delinsTA (p.Gly547Val)

Gene: CTNNA1 (catenin alpha 1; plus strand). Cytogenetic location: 5q31.2.
Variant type: Indel.
Coding change: c.1640_1641delinsTA on transcript NM_001903.5 (MANE Select); coding-DNA positions 1640 to 1641, GC replaced by TA.
Protein change: p.Gly547Val; replaces glycine 547 with valine.
Molecular consequence: missense variant.
Genome position (GRCh38, 1-based): chr5:138,924,603-138,924,604, GC replaced by TA. VCF-style: chr5-138924603-GC-TA. GRCh37 (hg19) VCF-style: chr5-138260292-GC-TA.
Other names: c.1640_1641delinsTA, p.Gly547Val (NM_001290307.3, NM_001323982.2, NM_001323983.1 and 2 more transcripts); c.1331_1332delinsTA, p.Gly444Val (NM_001290309.3); c.1271_1272delinsTA, p.Gly424Val (NM_001290310.3); c.530_531delinsTA, p.Gly177Val (NM_001290312.1, NM_001323987.1, NM_001323988.1 and 17 more transcripts); c.1547_1548delinsTA, p.Gly516Val (NM_001323986.2); c.191_192delinsTA, p.Gly64Val (NM_001324006.1, NM_001324007.1, NM_001324008.1 and 2 more transcripts); c.437_438delinsTA, p.Gly146Val (NM_001324011.1); c.287_288delinsTA, p.Gly96Val (NM_001324012.1, NM_001324013.1); short protein forms G177V, G96V, G146V, G424V, G444V, G547V, G64V, G516V.
Identifiers: ClinVar variation 966070 (VCV000966070.8), dbSNP rs1763611433, ClinGen allele CA1139659073.